The following is an entry in ClinVar:

ClinVar aggregate classification (germline): Conflicting classifications of pathogenicity. Review status: criteria provided, conflicting classifications (1 of 4 stars). 4 submissions from 4 submitters: Uncertain significance (2); Likely benign (2). Last evaluated 2025-02-15.

Conditions:
Inborn genetic diseases. Identifiers: MedGen C0950123, MeSH D030342.
Koolen-de Vries syndrome (KDVS). Identifiers: Orphanet 96169, MedGen C1864871, MONDO:0012496, OMIM 610443.

Allele frequency attached by ClinVar (database versions not stated): gnomAD 0.00008 and 0.00009; TOPMed 0.00012; 1000 Genomes Project 30x 0.00016; 1000 Genomes Project 0.00020.
gnomAD v4.1: 38 of 1,614,174 alleles (0.0024%); highest among the groups gnomAD compares: African/African-American, 0.047%; no homozygotes.

Submissions (4):

Ambry Genetics
Classification: Likely benign for Inborn genetic diseases. Last evaluated: 2025-02-15. Review status: criteria provided, single submitter. Criteria: Ambry Variant Classification Scheme 2023. Collection method: clinical testing. Allele origin: germline.

Fulgent Genetics
Classification: Likely benign for Koolen-de Vries syndrome. Last evaluated: 2024-02-23. Review status: criteria provided, single submitter. Criteria: ACMG Guidelines, 2015. Collection method: clinical testing. Allele origin: germline.

Labcorp Genetics (formerly Invitae), Labcorp
Classification: Uncertain significance for Koolen-de Vries syndrome. Last evaluated: 2021-09-17. Review status: criteria provided, single submitter. Criteria: Invitae Variant Classification Sherloc (09022015). Collection method: clinical testing. Allele origin: germline.
Comment: Due to the possible presence of a polymorphic segmental duplication, the location of the variant could not be unambiguously resolved. Variants with ambiguous mapping are still reported relative to the KANSL1 transcript. This sequence change replaces proline with serine at codon 269 of the KANSL1 protein (p.Pro269Ser). The proline residue is highly conserved and there is a moderate physicochemical difference between proline and serine. The frequency data for this variant in the population databases (ExAC) is considered unreliable due to the presence of homologous sequence, such as pseudogenes or paralogs, in the genome. This variant has not been reported in the literature in individuals with KANSL1-related conditions. ClinVar contains an entry for this variant (Variation ID: 205813). Algorithms developed to predict the effect of missense changes on protein structure and function (SIFT, PolyPhen-2, Align-GVGD) all suggest that this variant is likely to be tolerated. Until the location of this sequence change can be resolved, the clinical significance of this variant remains uncertain. It has been classified as a Variant of Uncertain Significance.

GeneDx
Classification: Uncertain significance. Last evaluated: 2014-03-25. Review status: criteria provided, single submitter. Criteria: GeneDx Variant Classification (06012015). Collection method: clinical testing. Allele origin: germline. Affected: yes.
Comment: This variant is denoted p.Pro269Ser (P269S) CCC>TCC: c.805 C>T in exon 2 of the KANSL1 gene (NM_001193466.1).The P269S variant has not been published as a mutation, nor has it been reported as a benign polymorphism to our knowledge. It was not observed in approximately 6,500 individuals of European and African American ancestry in the NHLBI Exome Sequencing Project, indicating it is not a common benign variant in these populations. The P269S variant is a non-conservative amino acid substitution, which is likely to impact secondary protein structure as these residues differ in polarity, charge, size and/or other properties. However, this substitution occurs at a position that is not conserved across species, and in silico analysis predicts this variant likely does not alter the protein structure/function. To date, missense mutations have not been associated with 17q21.31 microdeletion syndrome. Therefore, based on the currently available information, it is still unclear whether this variant is a pathogenic mutation or a rare benign variant. The variant is found in EPILEPSY panel(s).

NM_015443.4(KANSL1):c.805C>T (p.Pro269Ser)

Gene: KANSL1 (KAT8 regulatory NSL complex subunit 1). Cytogenetic location: 17q21.31.
Variant type: single nucleotide variant.
Coding change: c.805C>T on transcript NM_015443.4 (MANE Select); coding-DNA position 805, C replaced by T.
Protein change: p.Pro269Ser; replaces proline 269 with serine.
Molecular consequence: missense variant.
Genome position (GRCh38, 1-based): chr17:46,171,339, G>A on the plus strand (C>T on the coding strand, the complement: KANSL1 is on the minus strand). VCF-style: chr17-46171339-G-A. GRCh37 (hg19) VCF-style: chr17-44248705-G-A.
Other names: p.P269S:CCC>TCC; c.805C>T, p.Pro269Ser (NM_001193465.2, NM_001193466.2, NM_001379198.1); short protein forms P269S.
Identifiers: ClinVar variation 205813 (VCV000205813.12), dbSNP rs200903841, ClinGen allele CA315253.